The following is an entry in ClinVar:

NM_182972.3(IRF2BP2):c.437C>T (p.Pro146Leu)

Genes: IRF2BP2 (interferon regulatory factor 2 binding protein 2; minus strand), LOC129932812 (ATAC-STARR-seq lymphoblastoid silent region 1977; plus strand). Cytogenetic location: 1q42.3.
Variant type: single nucleotide variant.
Coding change: c.437C>T on transcript NM_182972.3 (MANE Select); coding-DNA position 437, C replaced by T.
Protein change: p.Pro146Leu; replaces proline 146 with leucine.
Molecular consequence: missense variant.
Genome position (GRCh38, 1-based): chr1:234,609,058, G>A on the plus strand (C>T on the coding strand, the complement: IRF2BP2 is on the minus strand). VCF-style: chr1-234609058-G-A. GRCh37 (hg19) VCF-style: chr1-234744804-G-A.
Other names: c.437C>T, p.Pro146Leu (NM_001077397.1); short protein forms P146L.
Identifiers: ClinVar variation 4770727 (VCV004770727.1).

ClinVar aggregate classification (germline): Uncertain significance (1 of 4 stars; one submission).

gnomAD v4.1: 4 of 1,281,602 alleles (0.00031%); highest among the groups gnomAD compares: South Asian, 0.0085%; no homozygotes.

Submission:

Labcorp Genetics (formerly Invitae), Labcorp
Classification: Uncertain significance. Last evaluated: 2026-01-11. Review status: criteria provided, single submitter. Criteria: Invitae Variant Classification Sherloc (09022015). Collection method: clinical testing. Allele origin: germline.
Comment: This sequence change replaces proline, which is neutral and non-polar, with leucine, which is neutral and non-polar, at codon 146 of the IRF2BP2 protein (p.Pro146Leu). The frequency data for this variant in the population databases is considered unreliable, as metrics indicate poor data quality at this position in the gnomAD database. This variant has not been reported in the literature in individuals affected with IRF2BP2-related conditions. An algorithm developed to predict the effect of missense changes on protein structure and function (PolyPhen-2) suggests that this variant is likely to be tolerated. In summary, the available evidence is currently insufficient to determine the role of this variant in disease. Therefore, it has been classified as a Variant of Uncertain Significance.